The following is an entry in ClinVar:

NM_002691.4(POLD1):c.2389-4C>G

Gene: POLD1 (DNA polymerase delta 1, catalytic subunit; plus strand). Cytogenetic location: 19q13.33.
Variant type: single nucleotide variant.
Coding change: c.2389-4C>G on transcript NM_002691.4 (MANE Select); 4 bases into the intron before coding-DNA position 2389, C replaced by G.
Molecular consequence: intron variant.
Genome position (GRCh38, 1-based): chr19:50,414,811, C>G. VCF-style: chr19-50414811-C-G. GRCh37 (hg19) VCF-style: chr19-50918068-C-G.
Other names: c.2389-4C>G (LRG_785t1, NM_001256849.1); c.2467-4C>G (NM_001308632.1, LRG_785t2).
Identifiers: ClinVar variation 509297 (VCV000509297.1), dbSNP rs1555792814, ClinGen allele CA658799267.

ClinVar aggregate classification (germline): Likely benign (1 of 4 stars; one submission).

Submission:

GeneDx
Classification: Likely benign. Last evaluated: 2017-05-01. Review status: criteria provided, single submitter. Criteria: GeneDx Variant Classification (06012015). Collection method: clinical testing. Allele origin: germline. Affected: yes.
Comment: This variant is considered likely benign or benign based on one or more of the following criteria: it is a conservative change, it occurs at a poorly conserved position in the protein, it is predicted to be benign by multiple in silico algorithms, and/or has population frequency not consistent with disease.